The following is an entry in ClinVar:

NM_000245.4(MET):c.1660G>A (p.Gly554Arg)

Gene: MET (MET proto-oncogene, receptor tyrosine kinase; plus strand). Cytogenetic location: 7q31.2.
Variant type: single nucleotide variant.
Coding change: c.1660G>A on transcript NM_000245.4 (MANE Select); coding-DNA position 1660, G replaced by A.
Protein change: p.Gly554Arg; replaces glycine 554 with arginine.
Molecular consequence: missense variant.
Genome position (GRCh38, 1-based): chr7:116,740,984, G>A. VCF-style: chr7-116740984-G-A. GRCh37 (hg19) VCF-style: chr7-116381038-G-A.
Other names: c.1660G>A (NM_001127500.2); c.1660G>A, p.Gly554Arg (NM_001127500.3, NM_001324401.3); c.370G>A, p.Gly124Arg (NM_001324402.2); short protein forms G554R, G124R.
Identifiers: ClinVar variation 134652 (VCV000134652.16), dbSNP rs200218511, ClinGen allele CA160450.

ClinVar aggregate classification (germline): Conflicting classifications of pathogenicity. Review status: criteria provided, conflicting classifications (1 of 4 stars). 6 submissions from 6 submitters: Uncertain significance (4); Likely benign (1). 1 of the submissions does not count toward it. Last evaluated 2026-08-21.

Conditions:
MET-related disorder. Also called: MET-related condition.
Renal cell carcinoma. Identifiers: Orphanet 217071, MedGen C0007134, MeSH D002292, MONDO:0005086, HP:0005584.
Hereditary cancer-predisposing syndrome. Also called: Neoplastic Syndromes, Hereditary; Tumor predisposition; Hereditary Cancer Syndrome; Hereditary neoplastic syndrome. Identifiers: Orphanet 140162, MedGen C0027672, MeSH D009386, MONDO:0015356.

Allele frequency attached by ClinVar (database versions not stated): gnomAD exomes below 0.00001 and 0.00002; ExAC 0.00001; gnomAD 0.00001 and 0.00002; TOPMed 0.00001; 1000 Genomes Project 30x 0.00016; 1000 Genomes Project 0.00020.
gnomAD v4.1: 8 of 1,614,026 alleles (0.0005%); highest among the groups gnomAD compares: Admixed American, 0.0033%; no homozygotes.

Submissions (6):

PreventionGenetics, part of Exact Sciences
Classification: Uncertain significance for MET-related condition. Last evaluated: 2026-08-21. Review status: criteria provided, single submitter. Criteria: ACMG Guidelines, 2015. Collection method: clinical testing. Allele origin: germline.
Comment: The MET c.1660G>A variant is predicted to result in the amino acid substitution p.Gly554Arg. To our knowledge, this variant has not been reported in the literature. This variant is reported in 0.0085% of alleles in individuals of Latino descent in gnomAD. At this time, the clinical significance of this variant is uncertain due to the absence of conclusive functional and genetic evidence.

Labcorp Genetics (formerly Invitae), Labcorp
Classification: Uncertain significance for Renal cell carcinoma. Last evaluated: 2026-01-28. Review status: criteria provided, single submitter. Criteria: Invitae Variant Classification Sherloc (09022015). Collection method: clinical testing. Allele origin: germline.
Comment: This sequence change replaces glycine, which is neutral and non-polar, with arginine, which is basic and polar, at codon 554 of the MET protein (p.Gly554Arg). This variant is present in population databases (rs200218511, gnomAD 0.009%). This variant has not been reported in the literature in individuals affected with MET-related conditions. ClinVar contains an entry for this variant (Variation ID: 134652). Invitae Evidence Modeling of protein sequence and biophysical properties (such as structural, functional, and spatial information, amino acid conservation, physicochemical variation, residue mobility, and thermodynamic stability) indicates that this missense variant is not expected to disrupt MET protein function with a negative predictive value of 80%. In summary, the available evidence is currently insufficient to determine the role of this variant in disease. Therefore, it has been classified as a Variant of Uncertain Significance.

Quest Diagnostics Nichols Institute San Juan Capistrano
Classification: Uncertain significance. Last evaluated: 2024-02-22. Review status: criteria provided, single submitter. Criteria: Quest Diagnostics criteria. Collection method: clinical testing. Allele origin: unknown.

GeneDx
Classification: Uncertain significance. Last evaluated: 2023-05-19. Review status: criteria provided, single submitter. Criteria: GeneDx Variant Classification Process June 2021. Collection method: clinical testing. Allele origin: germline. Affected: yes.
Comment: Not observed at significant frequency in large population cohorts (gnomAD); In silico analysis supports that this missense variant has a deleterious effect on protein structure/function; Identified in healthy individuals undergoing whole genome sequencing (Bodian et al., 2014); This variant is associated with the following publications: (PMID: 24728327)

Ambry Genetics
Classification: Likely benign for Hereditary cancer-predisposing syndrome. Last evaluated: 2023-05-11. Review status: criteria provided, single submitter. Criteria: Ambry Variant Classification Scheme 2023. Collection method: clinical testing. Allele origin: germline.

ITMI
No classification provided. Condition: AllHighlyPenetrant. Last evaluated: 2013-09-19. Review status: no classification provided. Collection method: reference population. Allele origin: germline. Not counted in ClinVar's aggregate classification.
Comment: Please see associated publication for description of ethnicities

Literature cited by the submitters: PubMed 24728327 (cited by 3 submitters).